The following is an entry in ClinVar:

NM_001142800.2(EYS):c.3645T>A (p.Asn1215Lys)

Gene: EYS (eyes shut homolog; minus strand). Cytogenetic location: 6q12.
Variant type: single nucleotide variant.
Coding change: c.3645T>A on transcript NM_001142800.2 (MANE Select); coding-DNA position 3645, T replaced by A.
Protein change: p.Asn1215Lys; replaces asparagine 1215 with lysine.
Molecular consequence: missense variant.
Genome position (GRCh38, 1-based): chr6:64,617,457, A>T on the plus strand (T>A on the coding strand, the complement: EYS is on the minus strand). VCF-style: chr6-64617457-A-T. GRCh37 (hg19) VCF-style: chr6-65327350-A-T.
Other names: c.3645T>A, p.Asn1215Lys (NM_001292009.2); c.3645T>A (NM_001142800.1); short protein forms N1215K.
Identifiers: ClinVar variation 1517408 (VCV001517408.7), dbSNP rs369993811, ClinGen allele CA3877142.

ClinVar aggregate classification (germline): Uncertain significance. Review status: criteria provided, multiple submitters, no conflicts (2 of 4 stars). 2 submissions from 2 submitters: Uncertain significance (2). Last evaluated 2025-05-29.

Conditions:
Inborn genetic diseases. Identifiers: MedGen C0950123, MeSH D030342.

Allele frequency attached by ClinVar (database versions not stated): TOPMed 0.00003; ExAC 0.00009; gnomAD exomes 0.00001; gnomAD 0.00003 and 0.00004; ESP Exome Variant Server 0.00022.
gnomAD v4.1: 8 of 1,550,810 alleles (0.00052%); highest among the groups gnomAD compares: African/African-American, 0.011%; no homozygotes.

Submissions (2):

Ambry Genetics
Classification: Uncertain significance for Inborn genetic diseases. Last evaluated: 2025-05-29. Review status: criteria provided, single submitter. Criteria: Ambry Variant Classification Scheme 2023. Collection method: clinical testing. Allele origin: germline.

Labcorp Genetics (formerly Invitae), Labcorp
Classification: Uncertain significance. Last evaluated: 2022-03-10. Review status: criteria provided, single submitter. Criteria: Invitae Variant Classification Sherloc (09022015). Collection method: clinical testing. Allele origin: germline.
Comment: This sequence change replaces asparagine, which is neutral and polar, with lysine, which is basic and polar, at codon 1215 of the EYS protein (p.Asn1215Lys). This variant is present in population databases (rs369993811, gnomAD 0.03%). This variant has not been reported in the literature in individuals affected with EYS-related conditions. Algorithms developed to predict the effect of missense changes on protein structure and function (SIFT, PolyPhen-2, Align-GVGD) all suggest that this variant is likely to be tolerated. In summary, the available evidence is currently insufficient to determine the role of this variant in disease. Therefore, it has been classified as a Variant of Uncertain Significance.